The following is an entry in ClinVar:

ClinVar aggregate classification (germline): Likely pathogenic (1 of 4 stars; one submission).

Conditions:
MHC class II deficiency. Also called: BLS, TYPE II; Bare lymphocyte syndrome 2. Identifiers: Orphanet 572, MedGen C5447452, MONDO:0008855.

Submission:

Natera, Inc.
Classification: Likely pathogenic for Bare lymphocyte syndrome type II. Last evaluated: 2025-03-16. Review status: criteria provided, single submitter. Criteria: Natera Variant Classification Schema (03/2026). Collection method: clinical testing. Allele origin: germline.
Comment: The c.52+1delG variant in CIITA is a canonical splice donor site variant predicted to affect pre-mRNA splicing, which may result in an abnormal transcript and altered protein product. This variant is expected to result in nonsense mediated decay, truncation, or a dysfunctional protein product. This variant is rare in the general population with a frequency below the threshold expected for the associated phenotype(s). Given the available evidence, this variant is classified as Likely Pathogenic.

NM_000246.4(CIITA):c.52+1del

Genes: CIITA (class II major histocompatibility complex transactivator; plus strand), LOC130058443 (ATAC-STARR-seq lymphoblastoid active region 10394; plus strand). Cytogenetic location: 16p13.13.
Variant type: Deletion.
Coding change: c.52+1del on transcript NM_000246.4 (MANE Select); the canonical splice donor site of the intron after coding-DNA position 52, one base deleted (G; older notation c.52+1delG).
Molecular consequence: splice donor variant.
Genome position (GRCh38, 1-based): chr16:10,877,383, G deleted; the last of 2 consecutive G bases (chr16:10,877,382-10,877,383); deleting either gives the same sequence. VCF-style (leftmost placement, unchanged base first): chr16-10877381-AG-A. GRCh37 (hg19) VCF-style: chr16-10971238-AG-A.
Other names: c.52+1del (NM_001286402.1, NM_001379332.1, NM_001379330.1 and 3 more transcripts).
Identifiers: ClinVar variation 4817981 (VCV004817981.1).
Genomic context (GRCh38, chr16:10,877,381, plus strand): 5'-TTCCTACACAATGCGTTGCCTGGCTCCACGCCCTGCTGGGTCCTACCTGTCAGAGCCCCA[AG>A]GTAAAAAGGCCGGGAAAGCATCTTAATTTAGCGTGCAGTCTCAGCTGGTCCTGCCATTCC-3'